The following is an entry in ClinVar:

NM_001145809.2(MYH14):c.1891G>A (p.Ala631Thr)

Gene: MYH14 (myosin heavy chain 14; plus strand). Cytogenetic location: 19q13.33.
Variant type: single nucleotide variant.
Coding change: c.1891G>A on transcript NM_001145809.2 (MANE Select); coding-DNA position 1891, G replaced by A.
Protein change: p.Ala631Thr; replaces alanine 631 with threonine.
Molecular consequence: missense variant.
Genome position (GRCh38, 1-based): chr19:50,252,699, G>A. VCF-style: chr19-50252699-G-A. GRCh37 (hg19) VCF-style: chr19-50755956-G-A.
Other names: c.1867G>A (NM_024729.3); c.1891G>A, p.Ala631Thr (NM_001077186.2); c.1867G>A, p.Ala623Thr (NM_024729.4); short protein forms A631T, A623T.
Identifiers: ClinVar variation 2912536 (VCV002912536.5), dbSNP rs201827463, ClinGen allele CA9592745.

ClinVar aggregate classification (germline): Uncertain significance. Review status: criteria provided, multiple submitters, no conflicts (2 of 4 stars). 2 submissions from 2 submitters: Uncertain significance (2). Last evaluated 2025-08-09.

Conditions:
Inborn genetic diseases. Identifiers: MedGen C0950123, MeSH D030342.

Allele frequency attached by ClinVar (database versions not stated): gnomAD 0.00004; gnomAD exomes 0.00006; TOPMed 0.00007; ESP Exome Variant Server 0.00008; ExAC 0.00017.
gnomAD v4.1: 97 of 1,601,124 alleles (0.0061%); highest among the groups gnomAD compares: East Asian, 0.009%; no homozygotes.

Submissions (2):

Ambry Genetics
Classification: Uncertain significance for Inborn genetic diseases. Last evaluated: 2025-08-09. Review status: criteria provided, single submitter. Criteria: Ambry Variant Classification Scheme 2023. Collection method: clinical testing. Allele origin: germline.

Labcorp Genetics (formerly Invitae), Labcorp
Classification: Uncertain significance. Last evaluated: 2024-09-27. Review status: criteria provided, single submitter. Criteria: Invitae Variant Classification Sherloc (09022015). Collection method: clinical testing. Allele origin: germline.
Comment: This sequence change replaces alanine, which is neutral and non-polar, with threonine, which is neutral and polar, at codon 623 of the MYH14 protein (p.Ala623Thr). The frequency data for this variant in the population databases is considered unreliable, as metrics indicate poor data quality at this position in the gnomAD database. This variant has not been reported in the literature in individuals affected with MYH14-related conditions. Invitae Evidence Modeling of protein sequence and biophysical properties (such as structural, functional, and spatial information, amino acid conservation, physicochemical variation, residue mobility, and thermodynamic stability) indicates that this missense variant is not expected to disrupt MYH14 protein function with a negative predictive value of 80%. In summary, the available evidence is currently insufficient to determine the role of this variant in disease. Therefore, it has been classified as a Variant of Uncertain Significance.